The following is an entry in ClinVar:

ClinVar aggregate classification (germline): Uncertain significance (1 of 4 stars; one submission).

gnomAD v4.1: 2 of 1,614,234 alleles (0.00012%); highest among the groups gnomAD compares: Non-Finnish European, 0.00017%; no homozygotes.

Submission:

Dasa
Classification: Uncertain significance. Last evaluated: 2025-04-06. Review status: criteria provided, single submitter. Criteria: DASA Assertion Criteria. Collection method: clinical testing. Allele origin: germline.
Comment: NM_001375524.1(TRRAP):c.969G>C (p.Glu323Asp) is a missense variant that results in the substitution of glutamic acid with aspartic acid. This variant is rare in population databases. Computational prediction algorithms are consistent with a benign effect. The currently available literature and clinical evidence are not sufficient to establish a definitive association between this variant and the reported condition. Therefore, this variant is classified as a variant of uncertain significance.

NM_001375524.1(TRRAP):c.969G>C (p.Glu323Asp)

Gene: TRRAP (transformation/transcription domain associated protein; plus strand). Cytogenetic location: 7q22.1.
Variant type: single nucleotide variant.
Coding change: c.969G>C on transcript NM_001375524.1 (MANE Select); coding-DNA position 969, G replaced by C.
Protein change: p.Glu323Asp; replaces glutamic acid 323 with aspartic acid.
Molecular consequence: missense variant.
Genome position (GRCh38, 1-based): chr7:98,903,450, G>C. VCF-style: chr7-98903450-G-C. GRCh37 (hg19) VCF-style: chr7-98501073-G-C.
Other names: c.969G>C, p.Glu323Asp (NM_001244580.2, NM_003496.4); short protein forms E323D.
Identifiers: ClinVar variation 4881281 (VCV004881281.2).